The following is an entry in ClinVar:

ClinVar aggregate classification (germline): Benign/Likely benign. Review status: criteria provided, multiple submitters, no conflicts (2 of 4 stars). 3 submissions from 3 submitters: Benign (1); Likely benign (2). Last evaluated 2025-11-03.

Conditions:
Hereditary cancer-predisposing syndrome. Also called: Hereditary Cancer Syndrome; Neoplastic Syndromes, Hereditary; Tumor predisposition; Hereditary neoplastic syndrome. Identifiers: Orphanet 140162, MedGen C0027672, MeSH D009386, MONDO:0015356.
BAP1-related tumor predisposition syndrome (TPDS1). Also called: Tumor susceptibility linked to germline BAP1 mutations; BAP1 tumor predisposition syndrome; COMMON Syndrome; TUMOR PREDISPOSITION SYNDROME 1. Identifiers: Orphanet 289539, MedGen C3280492, MONDO:0013692, OMIM 614327.

Allele frequency attached by ClinVar (database versions not stated): gnomAD exomes 0.00001; ExAC 0.00002; gnomAD 0.00004 and 0.00005; ESP Exome Variant Server 0.00008; TOPMed 0.00008.
gnomAD v4.1: 13 of 1,613,974 alleles (0.00081%); highest among the groups gnomAD compares: Admixed American, 0.015%; no homozygotes.

Submissions (3):

Labcorp Genetics (formerly Invitae), Labcorp
Classification: Likely benign for BAP1-related tumor predisposition syndrome. Last evaluated: 2025-11-03. Review status: criteria provided, single submitter. Criteria: Invitae Variant Classification Sherloc (09022015). Collection method: clinical testing. Allele origin: germline.

Myriad Genetics, Inc.
Classification: Benign for BAP1-related tumor predisposition syndrome. Last evaluated: 2024-07-17. Review status: criteria provided, single submitter. Criteria: Myriad Autosomal Dominant, Autosomal Recessive and X-Linked Classification Criteria (2023). Collection method: clinical testing. Allele origin: unknown.
Comment: This variant is considered benign. This variant is intronic and is not expected to impact mRNA splicing. Homozygosity has been confirmed in one or more individuals. As homozygosity for pathogenic variants in this gene is generally assumed to result in embryonic lethality, this variant is unlikely to be pathogenic.

Color Diagnostics, LLC DBA Color Health
Classification: Likely benign for Hereditary cancer-predisposing syndrome. Last evaluated: 2017-09-11. Review status: criteria provided, single submitter. Criteria: ACMG Guidelines, 2015. Collection method: clinical testing. Allele origin: germline.

NM_004656.4(BAP1):c.1891-20G>C

Gene: BAP1 (BRCA1 associated deubiquitinase 1; minus strand). Cytogenetic location: 3p21.1.
Variant type: single nucleotide variant.
Coding change: c.1891-20G>C on transcript NM_004656.4 (MANE Select); 20 bases into the intron before coding-DNA position 1891, G replaced by C.
Molecular consequence: intron variant.
Genome position (GRCh38, 1-based): chr3:52,402,891, C>G on the plus strand (G>C on the coding strand, the complement: BAP1 is on the minus strand). VCF-style: chr3-52402891-C-G. GRCh37 (hg19) VCF-style: chr3-52436907-C-G.
Identifiers: ClinVar variation 490824 (VCV000490824.12), dbSNP rs375522429, ClinGen allele CA2436661.